The following is an entry in ClinVar:

NM_000477.7(ALB):c.208G>A (p.Val70Ile)

Gene: ALB (albumin; plus strand). Cytogenetic location: 4q13.3.
Variant type: single nucleotide variant.
Coding change: c.208G>A on transcript NM_000477.7 (MANE Select); coding-DNA position 208, G replaced by A.
Protein change: p.Val70Ile; replaces valine 70 with isoleucine.
Molecular consequence: missense variant.
Genome position (GRCh38, 1-based): chr4:73,406,699, G>A. VCF-style: chr4-73406699-G-A. GRCh37 (hg19) VCF-style: chr4-74272416-G-A.
Other names: short protein forms V70I.
Identifiers: ClinVar variation 4751112 (VCV004751112.1).
Genomic context (GRCh38, chr4:73,406,699, plus strand): 5'-GCCTTTGCTCAGTATCTTCAGCAGTGTCCATTTGAAGATCATGTAAAATTAGTGAATGAA[G>A]TAACTGAATTTGCAAAAACATGTGTTGCTGATGAGTCAGCTGAAAATTGTGACAAATCAC-3'
Protein context (NP_000468.1, residues 60-80): FEDHVKLVNE[Val70Ile]TEFAKTCVAD

ClinVar aggregate classification (germline): Uncertain significance (1 of 4 stars; one submission).

gnomAD v4.1: 107 of 1,613,752 alleles (0.0066%); highest among the groups gnomAD compares: Non-Finnish European, 0.0088%; no homozygotes.

Submission:

Labcorp Genetics (formerly Invitae), Labcorp
Classification: Uncertain significance. Last evaluated: 2026-01-03. Review status: criteria provided, single submitter. Criteria: Invitae Variant Classification Sherloc (09022015). Collection method: clinical testing. Allele origin: germline.
Comment: This sequence change replaces valine, which is neutral and non-polar, with isoleucine, which is neutral and non-polar, at codon 70 of the ALB protein (p.Val70Ile). This variant is present in population databases (rs368276725, gnomAD 0.007%). This variant has not been reported in the literature in individuals affected with ALB-related conditions. Invitae Evidence Modeling of protein sequence and biophysical properties (such as structural, functional, and spatial information, amino acid conservation, physicochemical variation, residue mobility, and thermodynamic stability) indicates that this missense variant is not expected to disrupt ALB protein function with a negative predictive value of 80%. In summary, the available evidence is currently insufficient to determine the role of this variant in disease. Therefore, it has been classified as a Variant of Uncertain Significance.